The following is an entry in ClinVar:

NM_004629.2(FANCG):c.1377G>C (p.Gln459His)

Gene: FANCG (FA complementation group G; minus strand). Cytogenetic location: 9p13.3.
Variant type: single nucleotide variant.
Coding change: c.1377G>C on transcript NM_004629.2 (MANE Select); coding-DNA position 1377, G replaced by C.
Protein change: p.Gln459His; replaces glutamine 459 with histidine.
Molecular consequence: missense variant.
Genome position (GRCh38, 1-based): chr9:35,075,521, C>G on the plus strand (G>C on the coding strand, the complement: FANCG is on the minus strand). VCF-style: chr9-35075521-C-G. GRCh37 (hg19) VCF-style: chr9-35075518-C-G.
Other names: short protein forms Q459H.
Identifiers: ClinVar variation 4254493 (VCV004254493.1).

ClinVar aggregate classification (germline): Uncertain significance (1 of 4 stars; one submission).

Conditions:
Inborn genetic diseases. Identifiers: MedGen C0950123, MeSH D030342.

Submission:

Ambry Genetics
Classification: Uncertain significance for Inborn genetic diseases. Last evaluated: 2025-08-31. Review status: criteria provided, single submitter. Criteria: Ambry Variant Classification Scheme 2023. Collection method: clinical testing. Allele origin: germline.
Comment: The p.Q459H variant (also known as c.1377G>C), located in coding exon 10 of the FANCG gene, results from a G to C substitution at nucleotide position 1377. The glutamine at codon 459 is replaced by histidine, an amino acid with highly similar properties. This amino acid position is conserved. In addition, this alteration is predicted to be tolerated by in silico analysis. Based on the available evidence, the clinical significance of this variant remains unclear.